The following is an entry in ClinVar:

ClinVar aggregate classification (germline): Uncertain significance (1 of 4 stars; one submission).

Conditions:
Glycogen storage disease type III (GSD3). Also called: FORBES DISEASE; Cori disease. Identifiers: Orphanet 366, MedGen C0017922, MONDO:0009291, OMIM 232400.

Submission:

Labcorp Genetics (formerly Invitae), Labcorp
Classification: Uncertain significance for Glycogen storage disease type III. Last evaluated: 2022-03-13. Review status: criteria provided, single submitter. Criteria: Invitae Variant Classification Sherloc (09022015). Collection method: clinical testing. Allele origin: germline.
Comment: In summary, the available evidence is currently insufficient to determine the role of this variant in disease. Therefore, it has been classified as a Variant of Uncertain Significance. Algorithms developed to predict the effect of missense changes on protein structure and function are either unavailable or do not agree on the potential impact of this missense change (SIFT: "Deleterious"; PolyPhen-2: "Possibly Damaging"; Align-GVGD: "Class C0"). This variant has not been reported in the literature in individuals affected with AGL-related conditions. This variant is not present in population databases (gnomAD no frequency). This sequence change replaces valine, which is neutral and non-polar, with phenylalanine, which is neutral and non-polar, at codon 970 of the AGL protein (p.Val970Phe).

NM_000642.3(AGL):c.2908G>T (p.Val970Phe)

Gene: AGL (amylo-alpha-1,6-glucosidase and 4-alpha-glucanotransferase; plus strand). Cytogenetic location: 1p21.2.
Variant type: single nucleotide variant.
Coding change: c.2908G>T on transcript NM_000642.3 (MANE Select); coding-DNA position 2908, G replaced by T.
Protein change: p.Val970Phe; replaces valine 970 with phenylalanine.
Molecular consequence: missense variant.
Genome position (GRCh38, 1-based): chr1:99,891,315, G>T. VCF-style: chr1-99891315-G-T. GRCh37 (hg19) VCF-style: chr1-100356871-G-T.
Other names: c.2908G>T, p.Val970Phe (NM_000028.3, NM_000643.3, NM_000644.3 and 1 more transcripts); c.2860G>T, p.Val954Phe (NM_000646.3); c.2887G>T, p.Val963Phe (NM_001425326.1); c.2707G>T, p.Val903Phe (NM_001425327.1); c.2704G>T, p.Val902Phe (NM_001425328.1); c.2569G>T, p.Val857Phe (NM_001425329.1); c.2530G>T, p.Val844Phe (NM_001425332.1); short protein forms V954F, V970F, V844F, V857F, V902F, V903F, V963F.
Identifiers: ClinVar variation 2102968 (VCV002102968.4), dbSNP rs2524720651, ClinGen allele CA341325246.